The following is an entry in ClinVar:

NM_000434.4(NEU1):c.889G>A (p.Asp297Asn)

Gene: NEU1 (neuraminidase 1; minus strand). Cytogenetic location: 6p21.33.
Variant type: single nucleotide variant.
Coding change: c.889G>A on transcript NM_000434.4 (MANE Select); coding-DNA position 889, G replaced by A.
Protein change: p.Asp297Asn; replaces aspartic acid 297 with asparagine.
Molecular consequence: missense variant.
Genome position (GRCh38, 1-based): chr6:31,860,174, C>T on the plus strand (G>A on the coding strand, the complement: NEU1 is on the minus strand). VCF-style: chr6-31860174-C-T. GRCh37 (hg19) VCF-style: chr6-31827951-C-T.
Other names: c.889G>A (NM_000434.3); short protein forms D297N.
Identifiers: ClinVar variation 1364695 (VCV001364695.4), dbSNP rs1762451573, ClinGen allele CA363490144.

ClinVar aggregate classification (germline): Uncertain significance. Review status: criteria provided, multiple submitters, no conflicts (2 of 4 stars). 2 submissions from 2 submitters: Uncertain significance (2). Last evaluated 2024-10-25.

Conditions:
Inborn genetic diseases. Identifiers: MedGen C0950123, MeSH D030342.

Allele frequency attached by ClinVar (database versions not stated): gnomAD exomes below 0.00001; TOPMed 0.00002.
gnomAD v4.1: 4 of 1,613,006 alleles (0.00025%); highest among the groups gnomAD compares: Non-Finnish European, 0.00017%; no homozygotes.

Submissions (2):

Ambry Genetics
Classification: Uncertain significance for Inborn genetic diseases. Last evaluated: 2024-10-25. Review status: criteria provided, single submitter. Criteria: Ambry Variant Classification Scheme 2023. Collection method: clinical testing. Allele origin: germline.

Labcorp Genetics (formerly Invitae), Labcorp
Classification: Uncertain significance. Last evaluated: 2022-08-21. Review status: criteria provided, single submitter. Criteria: Invitae Variant Classification Sherloc (09022015). Collection method: clinical testing. Allele origin: germline.
Comment: This sequence change replaces aspartic acid, which is acidic and polar, with asparagine, which is neutral and polar, at codon 297 of the NEU1 protein (p.Asp297Asn). This variant is not present in population databases (gnomAD no frequency). This variant has not been reported in the literature in individuals affected with NEU1-related conditions. ClinVar contains an entry for this variant (Variation ID: 1364695). Algorithms developed to predict the effect of missense changes on protein structure and function are either unavailable or do not agree on the potential impact of this missense change (SIFT: "Deleterious"; PolyPhen-2: "Probably Damaging"; Align-GVGD: "Class C15"). In summary, the available evidence is currently insufficient to determine the role of this variant in disease. Therefore, it has been classified as a Variant of Uncertain Significance.